The following is an entry in ClinVar:

NM_000089.4(COL1A2):c.2607dup (p.Pro870fs)

Gene: COL1A2 (collagen type I alpha 2 chain; plus strand). Cytogenetic location: 7q21.3.
Variant type: Duplication.
Coding change: c.2607dup on transcript NM_000089.4 (MANE Select); coding-DNA position 2607, one base duplicated (T; older notation c.2607dupT).
Protein change: p.Pro870fs; shifts the reading frame from proline 870.
Molecular consequence: frameshift variant.
Genome position (GRCh38, 1-based): chr7:94,424,377, T duplicated. VCF-style (leftmost placement, unchanged base first): chr7-94424376-C-CT. GRCh37 (hg19) VCF-style: chr7-94053688-C-CT.
Other names: short protein forms P870fs.
Identifiers: ClinVar variation 4784233 (VCV004784233.1).

ClinVar aggregate classification (germline): Pathogenic (1 of 4 stars; one submission).

Conditions:
Ehlers-Danlos syndrome, classic type, 1 (EDSCL1). Also called: EHLERS-DANLOS SYNDROME, GRAVIS TYPE; EHLERS-DANLOS SYNDROME, SEVERE CLASSIC TYPE; Ehlers-Danlos syndrome, type 1; Ehlers-Danlos Syndrome, Classic Type, COL5A1-Related; EDS I. Identifiers: MedGen C0268335, MONDO:0019567, OMIM 130000.
Osteogenesis imperfecta type I (OI1). Also called: OI, TYPE I; OSTEOGENESIS IMPERFECTA TARDA; OSTEOGENESIS IMPERFECTA WITH BLUE SCLERAE; Osteogenesis imperfecta type 1; Lobstein's Disease; Lobstein disease. Identifiers: Orphanet 216796, Orphanet 666, MedGen C0023931, MONDO:0008146, OMIM 166200. Disease mechanism: loss of function.

Submission:

Labcorp Genetics (formerly Invitae), Labcorp
Classification: Pathogenic for Osteogenesis imperfecta type I; Ehlers-Danlos syndrome, classic type, 1. Last evaluated: 2025-02-26. Review status: criteria provided, single submitter. Criteria: Invitae Variant Classification Sherloc (09022015). Collection method: clinical testing. Allele origin: germline.
Comment: This sequence change creates a premature translational stop signal (p.Pro870Serfs*12) in the COL1A2 gene. It is expected to result in an absent or disrupted protein product. Loss-of-function variants in COL1A2 are known to be pathogenic (PMID: 11288717, 15077201). This variant is not present in population databases (gnomAD no frequency). This variant has not been reported in the literature in individuals affected with COL1A2-related conditions. For these reasons, this variant has been classified as Pathogenic.

Literature cited by the submitters: PubMed 11288717; PubMed 15077201.